The following is an entry in ClinVar:

ClinVar aggregate classification (germline): Benign/Likely benign. Review status: criteria provided, multiple submitters, no conflicts (2 of 4 stars). 4 submissions from 4 submitters: Benign (1); Likely benign (3). Last evaluated 2025-01-06.

Conditions:
Inborn genetic diseases. Identifiers: MedGen C0950123, MeSH D030342.
Developmental and epileptic encephalopathy, 9 (DEE9). Also called: Early infantile epileptic encephalopathy 9; EPILEPSY, FEMALE-RESTRICTED, WITH MENTAL RETARDATION; JUBERG-HELLMAN SYNDROME; PCDH19-Related X-Linked Female-Limited Epilepsy with Mental Retardation. Identifiers: Orphanet 101039, Orphanet 2076, MedGen C1848137, MONDO:0010246, OMIM 300088. Disease mechanism: loss of function.

Allele frequency attached by ClinVar (database versions not stated): gnomAD 0.00005; ESP Exome Variant Server 0.00010; TOPMed 0.00003.
gnomAD v4.1: 60 of 1,210,037 alleles (0.005%); highest among the groups gnomAD compares: Admixed American, 0.0087%; no homozygotes.

Submissions (4):

Labcorp Genetics (formerly Invitae), Labcorp
Classification: Likely benign for Developmental and epileptic encephalopathy, 9. Last evaluated: 2025-01-06. Review status: criteria provided, single submitter. Criteria: Invitae Variant Classification Sherloc (09022015). Collection method: clinical testing. Allele origin: germline.

Ambry Genetics
Classification: Likely benign for Inborn genetic diseases. Last evaluated: 2019-05-17. Review status: criteria provided, single submitter. Criteria: Ambry Variant Classification Scheme 2023. Collection method: clinical testing. Allele origin: germline.

Genetic Services Laboratory, University of Chicago
Classification: Likely benign. Last evaluated: 2017-11-07. Review status: criteria provided, single submitter. Criteria: ACMG Guidelines, 2015. Collection method: clinical testing. Allele origin: germline. Affected: no.

GeneDx
Classification: Benign. Last evaluated: 2014-05-02. Review status: criteria provided, single submitter. Criteria: GeneDx Variant Classification (06012015). Collection method: clinical testing. Allele origin: germline. Affected: yes.
Comment: This variant is considered likely benign or benign based on one or more of the following criteria: it is a conservative change, it occurs at a poorly conserved position in the protein, it is predicted to be benign by multiple in silico algorithms, and/or has population frequency not consistent with disease.

NM_001184880.2(PCDH19):c.1644G>A (p.Thr548=)

Gene: PCDH19 (protocadherin 19; minus strand). Cytogenetic location: Xq22.1.
Variant type: single nucleotide variant.
Coding change: c.1644G>A on transcript NM_001184880.2 (MANE Select); coding-DNA position 1644, G replaced by A.
Protein change: p.Thr548=; no amino-acid change (threonine 548 retained).
Molecular consequence: synonymous variant.
Genome position (GRCh38, 1-based): chrX:100,406,954, C>T on the plus strand (G>A on the coding strand, the complement: PCDH19 is on the minus strand). VCF-style: chrX-100406954-C-T. GRCh37 (hg19) VCF-style: chrX-99661952-C-T.
Other names: p.T548T:ACG>ACA; c.1644G>A, p.Thr548= (NM_001105243.2, NM_020766.3).
Identifiers: ClinVar variation 138599 (VCV000138599.15), dbSNP rs372952752, ClinGen allele CA292701.